The following is an entry in ClinVar:

NM_006389.5(HYOU1):c.970G>A (p.Ala324Thr)

Gene: HYOU1 (hypoxia up-regulated 1; minus strand). Cytogenetic location: 11q23.3.
Variant type: single nucleotide variant.
Coding change: c.970G>A on transcript NM_006389.5 (MANE Select); coding-DNA position 970, G replaced by A.
Protein change: p.Ala324Thr; replaces alanine 324 with threonine.
Molecular consequence: missense variant.
Genome position (GRCh38, 1-based): chr11:119,052,654, C>T on the plus strand (G>A on the coding strand, the complement: HYOU1 is on the minus strand). VCF-style: chr11-119052654-C-T. GRCh37 (hg19) VCF-style: chr11-118923366-C-T.
Other names: c.970G>A (NM_006389.3); c.970G>A, p.Ala324Thr (NM_001130991.3); short protein forms A324T.
Identifiers: ClinVar variation 1477652 (VCV001477652.7), dbSNP rs782150683, ClinGen allele CA229623544.
Genomic context (GRCh38, chr11:119,052,654, plus strand): 5'-TACGTGGGACAAAATATAGCCTCAACCAGCCACTTGTGGGCACCTGTGCCATGTGGTCAG[C>T]GTTGGCACTGAGGACGGTTTTGAGCCGATTAGCCTCACGCAGCAGCTTGGCCATGGCACG-3'
Protein context (NP_006380.1, residues 314-334): NRLKTVLSAN[Ala324Thr]DHMAQIEGLM

ClinVar aggregate classification (germline): Uncertain significance. Review status: criteria provided, multiple submitters, no conflicts (2 of 4 stars). 2 submissions from 2 submitters: Uncertain significance (2). Last evaluated 2025-09-22.

Allele frequency attached by ClinVar (database versions not stated): gnomAD 0.00001; gnomAD exomes 0.00001.

Submissions (2):

Labcorp Genetics (formerly Invitae), Labcorp
Classification: Uncertain significance. Last evaluated: 2025-09-22. Review status: criteria provided, single submitter. Criteria: Invitae Variant Classification Sherloc (09022015). Collection method: clinical testing. Allele origin: germline.
Comment: This sequence change replaces alanine, which is neutral and non-polar, with threonine, which is neutral and polar, at codon 324 of the HYOU1 protein (p.Ala324Thr). This variant is present in population databases (rs782150683, gnomAD 0.007%). This variant has not been reported in the literature in individuals affected with HYOU1-related conditions. ClinVar contains an entry for this variant (Variation ID: 1477652). An algorithm developed to predict the effect of missense changes on protein structure and function (PolyPhen-2) suggests that this variant is likely to be tolerated. In summary, the available evidence is currently insufficient to determine the role of this variant in disease. Therefore, it has been classified as a Variant of Uncertain Significance.

Ambry Genetics
Classification: Uncertain significance. Last evaluated: 2023-10-30. Review status: criteria provided, single submitter. Criteria: Ambry Variant Classification Scheme 2023. Collection method: clinical testing. Allele origin: germline.